The following is an entry in ClinVar:

ClinVar aggregate classification (germline): Uncertain significance. Review status: criteria provided, multiple submitters, no conflicts (2 of 4 stars). 2 submissions from 2 submitters: Uncertain significance (2). Last evaluated 2024-10-25.

Allele frequency attached by ClinVar (database versions not stated): TOPMed below 0.00001; gnomAD 0.00001.
gnomAD v4.1: 6 of 1,436,628 alleles (0.00042%); highest among the groups gnomAD compares: African/African-American, 0.0015%; no homozygotes.

Submissions (2):

Ambry Genetics
Classification: Uncertain significance. Last evaluated: 2024-10-25. Review status: criteria provided, single submitter. Criteria: Ambry Variant Classification Scheme 2023. Collection method: clinical testing. Allele origin: germline.
Comment: The p.G42C variant (also known as c.124G>T), located in coding exon 1 of the RASA2 gene, results from a G to T substitution at nucleotide position 124. The glycine at codon 42 is replaced by cysteine, an amino acid with highly dissimilar properties. This amino acid position is conserved. In addition, this alteration is predicted to be tolerated by in silico analysis. Based on the available evidence, the clinical significance of this variant remains unclear.

Labcorp Genetics (formerly Invitae), Labcorp
Classification: Uncertain significance. Last evaluated: 2024-02-10. Review status: criteria provided, single submitter. Criteria: Invitae Variant Classification Sherloc (09022015). Collection method: clinical testing. Allele origin: germline.
Comment: This sequence change replaces glycine, which is neutral and non-polar, with cysteine, which is neutral and slightly polar, at codon 42 of the RASA2 protein (p.Gly42Cys). This variant is present in population databases (no rsID available, gnomAD 0.01%). This variant has not been reported in the literature in individuals affected with RASA2-related conditions. ClinVar contains an entry for this variant (Variation ID: 1352435). An algorithm developed to predict the effect of missense changes on protein structure and function (PolyPhen-2) suggests that this variant is likely to be disruptive. In summary, the available evidence is currently insufficient to determine the role of this variant in disease. Therefore, it has been classified as a Variant of Uncertain Significance.

NM_006506.5(RASA2):c.124G>T (p.Gly42Cys)

Genes: RASA2 (RAS p21 protein activator 2; plus strand), LOC129937686 (ATAC-STARR-seq lymphoblastoid silent region 14777; plus strand). Cytogenetic location: 3q23.
Variant type: single nucleotide variant.
Coding change: c.124G>T on transcript NM_006506.5 (MANE Select); coding-DNA position 124, G replaced by T.
Protein change: p.Gly42Cys; replaces glycine 42 with cysteine.
Molecular consequence: missense variant.
Genome position (GRCh38, 1-based): chr3:141,487,207, G>T. VCF-style: chr3-141487207-G-T. GRCh37 (hg19) VCF-style: chr3-141206049-G-T.
Other names: c.124G>T, p.Gly42Cys (NM_001303245.3, NM_001303246.3); c.124G>T (NM_006506.2); short protein forms G42C.
Identifiers: ClinVar variation 1352435 (VCV001352435.8), dbSNP rs1335032605, ClinGen allele CA354774191.
Genomic context (GRCh38, chr3:141,487,207, plus strand): 5'-GCAGAGCCCGAGGCCGGGGACCAGGACAGTCGCGAGGTTCGAGTGTTGCAGAGCCTGCGG[G>T]GCAAGATCTGTAAGCGGGGGCTGGGCTGAGGGGACGCCCTGGCGGCGCTGGGCGCGAGGC-3'
Protein context (NP_006497.2, residues 32-52): REVRVLQSLR[Gly42Cys]KICEAKNLLP